The following is an entry in ClinVar:

NM_000245.4(MET):c.3652_3653inv (p.Val1218Thr)

Gene: MET (MET proto-oncogene, receptor tyrosine kinase; plus strand). Cytogenetic location: 7q31.2.
Variant type: Inversion.
Coding change: c.3652_3653inv on transcript NM_000245.4 (MANE Select).
Protein change: p.Val1218Thr; replaces valine 1218 with threonine.
Molecular consequence: missense variant.
Genome position: GRCh38 VCF-style: chr7-116783323-GT-AC. GRCh37 (hg19) VCF-style: chr7-116423377-GT-AC.
Other names: c.3706_3707inv, p.Val1236Thr (NM_001127500.3); c.2362_2363inv, p.Val788Thr (NM_001324402.2); short protein forms V788T, V1236T, V1218T.
Identifiers: ClinVar variation 3681227 (VCV003681227.2).

ClinVar aggregate classification (germline): Uncertain significance (1 of 4 stars; one submission).

Conditions:
Renal cell carcinoma. Identifiers: Orphanet 217071, MedGen C0007134, MeSH D002292, MONDO:0005086, HP:0005584.

Submission:

Labcorp Genetics (formerly Invitae), Labcorp
Classification: Uncertain significance for Renal cell carcinoma. Last evaluated: 2024-06-23. Review status: criteria provided, single submitter. Criteria: Invitae Variant Classification Sherloc (09022015). Collection method: clinical testing. Allele origin: germline.
Comment: This sequence change replaces valine, which is neutral and non-polar, with threonine, which is neutral and polar, at codon 1236 of the MET protein (p.Val1236Thr). Information on the frequency of this variant in the gnomAD database is not available, as this variant may be reported differently in the database. This variant has not been reported in the literature in individuals affected with MET-related conditions. An algorithm developed to predict the effect of missense changes on protein structure and function (PolyPhen-2) suggests that this variant is likely to be disruptive. In summary, the available evidence is currently insufficient to determine the role of this variant in disease. Therefore, it has been classified as a Variant of Uncertain Significance.